The following is an entry in ClinVar:

ClinVar aggregate classification (germline): Likely benign. Review status: criteria provided, multiple submitters, no conflicts (2 of 4 stars). 2 submissions from 2 submitters: Likely benign (2). Last evaluated 2025-12-20.

Conditions:
ABCA4-related disorder. Also called: ABCA4-related disorders; ABCA4-related condition. Identifiers: MedGen CN239167.

Allele frequency attached by ClinVar (database versions not stated): gnomAD exomes below 0.00001 and 0.00001.
gnomAD v4.1: 16 of 1,614,142 alleles (0.00099%); highest among the groups gnomAD compares: Non-Finnish European, 0.0013%; no homozygotes.

Submissions (2):

Labcorp Genetics (formerly Invitae), Labcorp
Classification: Likely benign. Last evaluated: 2025-12-20. Review status: criteria provided, single submitter. Criteria: Invitae Variant Classification Sherloc (09022015). Collection method: clinical testing. Allele origin: germline.

PreventionGenetics, part of Exact Sciences
Classification: Likely benign for ABCA4-related condition. Last evaluated: 2025-03-27. Review status: criteria provided, single submitter. Criteria: ACMG Guidelines, 2015. Collection method: clinical testing. Allele origin: germline.
Comment: This variant is classified as likely benign based on ACMG/AMP sequence variant interpretation guidelines (Richards et al. 2015 PMID: 25741868, with internal and published modifications).

NM_000350.3(ABCA4):c.5652G>A (p.Val1884=)

Gene: ABCA4 (ATP binding cassette subfamily A member 4; minus strand). Cytogenetic location: 1p22.1.
Variant type: single nucleotide variant.
Coding change: c.5652G>A on transcript NM_000350.3 (MANE Select); coding-DNA position 5652, G replaced by A.
Protein change: p.Val1884=; no amino-acid change (valine 1884 retained).
Molecular consequence: synonymous variant.
Genome position (GRCh38, 1-based): chr1:94,010,862, C>T on the plus strand (G>A on the coding strand, the complement: ABCA4 is on the minus strand). VCF-style: chr1-94010862-C-T. GRCh37 (hg19) VCF-style: chr1-94476418-C-T.
Other names: c.5430G>A, p.Val1810= (NM_001425324.1).
Identifiers: ClinVar variation 957616 (VCV000957616.10), dbSNP rs1434831679, ClinGen allele CA418815721.